The following is an entry in ClinVar:

NM_005592.4(MUSK):c.1400C>T (p.Thr467Met)

Gene: MUSK (muscle associated receptor tyrosine kinase; plus strand). Cytogenetic location: 9q31.3.
Variant type: single nucleotide variant.
Coding change: c.1400C>T on transcript NM_005592.4 (MANE Select); coding-DNA position 1400, C replaced by T.
Protein change: p.Thr467Met; replaces threonine 467 with methionine.
Molecular consequence: missense variant.
Genome position (GRCh38, 1-based): chr9:110,784,830, C>T. VCF-style: chr9-110784830-C-T. GRCh37 (hg19) VCF-style: chr9-113547110-C-T.
Other names: c.1142C>T, p.Thr381Met (NM_001166280.2); c.1112C>T, p.Thr371Met (NM_001166281.2); c.140C>T, p.Thr47Met (NM_001369398.1); short protein forms T467M, T381M, T47M, T371M.
Identifiers: ClinVar variation 581993 (VCV000581993.6), dbSNP rs777107917, ClinGen allele CA5184366.
Genomic context (GRCh38, chr9:110,784,830, plus strand): 5'-CTTAAAGGTTTGAGAATGAATGAAATAATTATTCTTTACTTACAGCATTCCCACCAATGA[C>T]GTCCTCAAAGCCAAGTGTGGACATTCCAAATCTGCCTTCCTCCTCCTCTTCTTCCTTCTC-3'
Protein context (NP_005583.1, residues 457-477): KENLKTFPPM[Thr467Met]SSKPSVDIPN

ClinVar aggregate classification (germline): Uncertain significance (1 of 4 stars; one submission).

Conditions:
Congenital myasthenic syndrome 9. Also called: Myasthenic syndrome, congenital, 9, associated with acetylcholine receptor deficiency. Identifiers: Orphanet 590, MedGen C4225368, MONDO:0014587, OMIM 616325.
Fetal akinesia deformation sequence 1 (FADS1). Also called: Fetal akinesia sequence; Pena-Shokeir syndrome type I. Identifiers: Orphanet 994, MedGen C1276035, MONDO:0100101, OMIM 208150, HP:0001989.

Allele frequency attached by ClinVar (database versions not stated): gnomAD exomes 0.00001; TOPMed 0.00001; ExAC 0.00002; gnomAD 0.00002.
gnomAD v4.1: 16 of 1,610,632 alleles (0.00099%); highest among the groups gnomAD compares: African/African-American, 0.0027%; no homozygotes.

Submission:

Labcorp Genetics (formerly Invitae), Labcorp
Classification: Uncertain significance for Congenital myasthenic syndrome 9; Fetal akinesia deformation sequence 1. Last evaluated: 2021-08-20. Review status: criteria provided, single submitter. Criteria: Invitae Variant Classification Sherloc (09022015). Collection method: clinical testing. Allele origin: germline.
Comment: This sequence change replaces threonine with methionine at codon 467 of the MUSK protein (p.Thr467Met). The threonine residue is moderately conserved and there is a moderate physicochemical difference between threonine and methionine. This variant is present in population databases (rs777107917, ExAC 0.01%). This variant has not been reported in the literature in individuals affected with MUSK-related conditions. Algorithms developed to predict the effect of missense changes on protein structure and function are either unavailable or do not agree on the potential impact of this missense change (SIFT: "Deleterious"; PolyPhen-2: "Benign"; Align-GVGD: "Class C0"). In summary, the available evidence is currently insufficient to determine the role of this variant in disease. Therefore, it has been classified as a Variant of Uncertain Significance.